The following is an entry in ClinVar:

ClinVar aggregate classification (germline): Uncertain significance. Review status: criteria provided, multiple submitters, no conflicts (2 of 4 stars). 2 submissions from 2 submitters: Uncertain significance (2). Last evaluated 2025-10-08.

Conditions:
Cardiovascular phenotype. Identifiers: MedGen CN230736.
Dilated cardiomyopathy 1J (CMD1J). Also called: CARDIOMYOPATHY, DILATED, WITH SENSORINEURAL HEARING LOSS, AUTOSOMAL DOMINANT. Identifiers: Orphanet 217622, MedGen C1854368, MONDO:0011541, OMIM 605362.

gnomAD v4.1: 2 of 1,609,764 alleles (0.00012%); highest among the groups gnomAD compares: Admixed American, 0.0033%; no homozygotes.

Submissions (2):

Labcorp Genetics (formerly Invitae), Labcorp
Classification: Uncertain significance for Dilated cardiomyopathy 1J. Last evaluated: 2025-10-08. Review status: criteria provided, single submitter. Criteria: Invitae Variant Classification Sherloc (09022015). Collection method: clinical testing. Allele origin: germline.
Comment: This sequence change replaces threonine, which is neutral and polar, with serine, which is neutral and polar, at codon 250 of the EYA4 protein (p.Thr250Ser). This variant is not present in population databases (gnomAD no frequency). This variant has not been reported in the literature in individuals affected with EYA4-related conditions. ClinVar contains an entry for this variant (Variation ID: 1759186). Invitae Evidence Modeling of protein sequence and biophysical properties (such as structural, functional, and spatial information, amino acid conservation, physicochemical variation, residue mobility, and thermodynamic stability) indicates that this missense variant is not expected to disrupt EYA4 protein function with a negative predictive value of 80%. In summary, the available evidence is currently insufficient to determine the role of this variant in disease. Therefore, it has been classified as a Variant of Uncertain Significance.

Ambry Genetics
Classification: Uncertain significance for Cardiovascular phenotype. Last evaluated: 2021-08-02. Review status: criteria provided, single submitter. Criteria: Ambry Variant Classification Scheme 2023. Collection method: clinical testing. Allele origin: germline.
Comment: The p.T250S variant (also known as c.749C>G), located in coding exon 9 of the EYA4 gene, results from a C to G substitution at nucleotide position 749. The threonine at codon 250 is replaced by serine, an amino acid with similar properties. This amino acid position is conserved. In addition, this alteration is predicted to be tolerated by in silico analysis. Since supporting evidence is limited at this time, the clinical significance of this alteration remains unclear.

NM_004100.5(EYA4):c.749C>G (p.Thr250Ser)

Gene: EYA4 (EYA transcriptional coactivator and phosphatase 4; plus strand). Cytogenetic location: 6q23.2.
Variant type: single nucleotide variant.
Coding change: c.749C>G on transcript NM_004100.5 (MANE Select); coding-DNA position 749, C replaced by G.
Protein change: p.Thr250Ser; replaces threonine 250 with serine.
Molecular consequence: missense variant.
Genome position (GRCh38, 1-based): chr6:133,464,803, C>G. VCF-style: chr6-133464803-C-G. GRCh37 (hg19) VCF-style: chr6-133785941-C-G.
Other names: c.587C>G, p.Thr196Ser (NM_001301012.2, NM_001370459.1); c.749C>G, p.Thr250Ser (NM_001301013.2, NM_172105.4); c.680C>G, p.Thr227Ser (NM_001370458.1, NM_172103.4); short protein forms T196S, T227S, T250S.
Identifiers: ClinVar variation 1759186 (VCV001759186.5), dbSNP rs143757415, ClinGen allele CA148049857.